The following is an entry in ClinVar:

NM_004629.2(FANCG):c.1636+1_1636+5delinsA

Gene: FANCG (FA complementation group G; minus strand). Cytogenetic location: 9p13.3.
Variant type: Indel.
Coding change: c.1636+1_1636+5delinsA on transcript NM_004629.2 (MANE Select); the canonical splice donor site of the intron after coding-DNA position 1636 through 5 bases into the intron after coding-DNA position 1636, GTATG replaced by A.
Molecular consequence: splice donor variant.
Genome position (GRCh38, 1-based): chr9:35,074,922-35,074,926, CATAC replaced by T on the plus strand (GTATG replaced by A on the coding strand, the reverse complement: FANCG is on the minus strand). VCF-style: chr9-35074922-CATAC-T. GRCh37 (hg19) VCF-style: chr9-35074919-CATAC-T.
Identifiers: ClinVar variation 970933 (VCV000970933.6), dbSNP rs1829054259, ClinGen allele CA1139660949.

ClinVar aggregate classification (germline): Likely pathogenic (1 of 4 stars; one submission).

Conditions:
Fanconi anemia (FA). Also called: Fanconi's anemia. Identifiers: Orphanet 84, MedGen C0015625, MeSH D005199, MONDO:0019391.

Submission:

Labcorp Genetics (formerly Invitae), Labcorp
Classification: Likely pathogenic for Fanconi anemia. Last evaluated: 2019-08-20. Review status: criteria provided, single submitter. Criteria: Invitae Variant Classification Sherloc (09022015). Collection method: clinical testing. Allele origin: germline.
Comment: Algorithms developed to predict the effect of sequence changes on RNA splicing suggest that this variant may disrupt the consensus splice site, but this prediction has not been confirmed by published transcriptional studies. Donor and acceptor splice site variants typically lead to a loss of protein function (PMID: 16199547), and loss-of-function variants in FANCG are known to be pathogenic (PMID: 12552564). In summary, the currently available evidence indicates that the variant is pathogenic, but additional data are needed to prove that conclusively. Therefore, this variant has been classified as Likely Pathogenic. Disruption of this splice site has been observed in an individual with clinical features of Fanconi anemia (PMID: 24300640). This sequence change affects a donor splice site in intron 12 of the FANCG gene. It is expected to disrupt RNA splicing and likely results in an absent or disrupted protein product. This variant is not present in population databases (ExAC no frequency).

Literature cited by the submitters: PubMed 16199547; PubMed 12552564; PubMed 24300640.